The following is an entry in ClinVar:

NM_015046.7(SETX):c.4096T>C (p.Ser1366Pro)

Gene: SETX (senataxin; minus strand). Cytogenetic location: 9q34.13.
Variant type: single nucleotide variant.
Coding change: c.4096T>C on transcript NM_015046.7 (MANE Select); coding-DNA position 4096, T replaced by C.
Protein change: p.Ser1366Pro; replaces serine 1366 with proline.
Molecular consequence: missense variant.
Genome position (GRCh38, 1-based): chr9:132,327,502, A>G on the plus strand (T>C on the coding strand, the complement: SETX is on the minus strand). VCF-style: chr9-132327502-A-G. GRCh37 (hg19) VCF-style: chr9-135202889-A-G.
Other names: c.4096T>C, p.Ser1366Pro (NM_001351527.2, NM_001351528.2); short protein forms S1366P.
Identifiers: ClinVar variation 468505 (VCV000468505.69), dbSNP rs140147684, ClinGen allele CA5297271.

ClinVar aggregate classification (germline): Conflicting classifications of pathogenicity. Review status: criteria provided, conflicting classifications (1 of 4 stars). 12 submissions from 11 submitters: Uncertain significance (4); Likely benign (5). 3 of the submissions do not count toward it. Last evaluated 2026-09-01.

Conditions:
SETX-related disorder. Also called: SETX-related condition; SETX-related disorders. Identifiers: MedGen CN239403.
Inborn genetic diseases. Identifiers: MedGen C0950123, MeSH D030342.
Spinocerebellar ataxia, autosomal recessive, with axonal neuropathy 2 (SCAN2). Also called: ATAXIA-OCULOMOTOR APRAXIA 2; Ataxia-ocular apraxia-2; Ataxia with Oculomotor Apraxia; Ataxia with Oculomotor Apraxia Type 2. Identifiers: Orphanet 64753, MedGen C1853761, MONDO:0018996, OMIM 606002.
Amyotrophic lateral sclerosis type 4 (ALS4). Also called: AMYOTROPHIC LATERAL SCLEROSIS 4, JUVENILE; NEURONOPATHY, DISTAL HEREDITARY MOTOR, WITH PYRAMIDAL FEATURES. Identifiers: Orphanet 357043, MedGen C1865409, MONDO:0011223, OMIM 602433.

Allele frequency attached by ClinVar (database versions not stated): ESP Exome Variant Server 0.00023; ExAC 0.00024; gnomAD exomes 0.00025 and 0.00041; gnomAD 0.00027 and 0.00030; TOPMed 0.00029.
gnomAD v4.1: 627 of 1,614,016 alleles (0.039%); highest among the groups gnomAD compares: Non-Finnish European, 0.049%; 1 homozygote.

Submissions (12):

CeGaT Center for Human Genetics Tuebingen
Classification: Likely benign. Last evaluated: 2026-09-01. Review status: criteria provided, single submitter. Criteria: CeGaT Center For Human Genetics Tuebingen Variant Classification Criteria Version 2. Collection method: clinical testing. Allele origin: germline. Affected: yes. Observed: 3 variant alleles.
Comment: SETX: BP4

Labcorp Genetics (formerly Invitae), Labcorp
Classification: Likely benign for Amyotrophic lateral sclerosis type 4; Spinocerebellar ataxia, autosomal recessive, with axonal neuropathy 2. Last evaluated: 2025-12-23. Review status: criteria provided, single submitter. Criteria: Invitae Variant Classification Sherloc (09022015). Collection method: clinical testing. Allele origin: germline.

Mayo Clinic Laboratories, Mayo Clinic
Classification: Uncertain significance. Last evaluated: 2025-07-10. Review status: criteria provided, single submitter. Criteria: ACMG Guidelines, 2015. Collection method: clinical testing. Allele origin: germline. Observed: 2 variant alleles.
Comment: BP4_moderate

Women's Health and Genetics/Laboratory Corporation of America, LabCorp
Classification: Uncertain significance. Last evaluated: 2024-09-13. Review status: criteria provided, single submitter. Criteria: LabCorp Variant Classification Summary - May 2015. Collection method: clinical testing. Allele origin: germline.
Comment: Variant summary: SETX c.4096T>C (p.Ser1366Pro) results in a non-conservative amino acid change in the encoded protein sequence. Four of five in-silico tools predict a benign effect of the variant on protein function. The variant allele was found at a frequency of 0.00025 in 251310 control chromosomes in the gnomAD database, including 1 homozygote. c.4096T>C has been reported in the literature in individuals affected with congenital hypotonia or distal hereditary motor neuropathy. Co-occurrences with other pathogenic variants were reported in these probands (IGHMBP2 c.1488C>A, p.Cys496Ter and c.1346delT, p.Met449Serfs*24 in one case; HSPB1 c.379C>T, p.Arg127Trp in the other case). These reports do not provide unequivocal conclusions about association of the variant with Amyotrophic Lateral Sclerosis Type 4. To our knowledge, no experimental evidence demonstrating an impact on protein function has been reported. The following publications have been ascertained in the context of this evaluation (PMID: 26257172, 36539320). ClinVar contains an entry for this variant (Variation ID: 468505). Based on the evidence outlined above, the variant was classified as uncertain significance.

Ambry Genetics
Classification: Uncertain significance for Inborn genetic diseases. Last evaluated: 2022-04-25. Review status: criteria provided, single submitter. Criteria: Ambry Variant Classification Scheme 2023. Collection method: clinical testing. Allele origin: germline.
Comment: The p.S1366P variant (also known as c.4096T>C), located in coding exon 8 of the SETX gene, results from a T to C substitution at nucleotide position 4096. The serine at codon 1366 is replaced by proline, an amino acid with similar properties. This amino acid position is poorly conserved in available vertebrate species. In addition, this alteration is predicted to be tolerated by in silico analysis. Based on the supporting evidence, this variant is unlikely to be causative of autosomal dominant juvenile amyotrophic lateral sclerosis 4 (ALS4); however, its contribution to the development of autosomal recessive spinocerebellar ataxia with axonal neuropathy 2 (SCAN2) is uncertain.

GeneDx
Classification: Likely benign. Last evaluated: 2022-04-12. Review status: criteria provided, single submitter. Criteria: GeneDx Variant Classification Process June 2021. Collection method: clinical testing. Allele origin: germline. Affected: yes.
Comment: In silico analysis supports that this missense variant does not alter protein structure/function

Athena Diagnostics
Classification: Likely benign. Last evaluated: 2020-01-21. Review status: criteria provided, single submitter. Criteria: Athena Diagnostics Criteria. Collection method: clinical testing. Allele origin: unknown.

Illumina Laboratory Services, Illumina
Classification: Likely benign for Amyotrophic lateral sclerosis type 4. Last evaluated: 2017-04-28. Review status: criteria provided, single submitter. Criteria: ICSL Variant Classification Criteria 13 December 2019. Collection method: clinical testing. Allele origin: germline.
Comment: This variant was observed as part of a predisposition screen in an ostensibly healthy population. A literature search was performed for the gene, cDNA change, and amino acid change (where applicable). No publications were found based on this search. Allele frequency data from public databases allowed determination this variant is unlikely to cause disease. Therefore, this variant is classified as likely benign.

Illumina Laboratory Services, Illumina
Classification: Uncertain significance for Spinocerebellar ataxia, autosomal recessive, with axonal neuropathy 2. Last evaluated: 2017-04-28. Review status: criteria provided, single submitter. Criteria: ICSL Variant Classification Criteria 13 December 2019. Collection method: clinical testing. Allele origin: germline.
Comment: This variant was observed as part of a predisposition screen in an ostensibly healthy population. A literature search was performed for the gene, cDNA change, and amino acid change (where applicable). Publications were found based on this search. However, the evidence from the literature, in combination with allele frequency data from public databases where available, was not sufficient to rule this variant in or out of causing disease. Therefore, this variant is classified as a variant of unknown significance.

PreventionGenetics, part of Exact Sciences
Classification: Likely benign for SETX-related condition. Last evaluated: 2022-07-31. Review status: no assertion criteria provided. Collection method: clinical testing. Allele origin: germline. Not counted in ClinVar's aggregate classification.
Comment: This variant is classified as likely benign based on ACMG/AMP sequence variant interpretation guidelines (Richards et al. 2015 PMID: 25741868, with internal and published modifications).

Clinical Genetics, Academic Medical Center
Classification: Likely benign. Review status: no assertion criteria provided. Collection method: clinical testing. Allele origin: germline. Affected: yes. Study: VKGL Data-share Consensus. Not counted in ClinVar's aggregate classification.

Genome Diagnostics Laboratory, Amsterdam University Medical Center
Classification: Likely benign. Review status: no assertion criteria provided. Collection method: clinical testing. Allele origin: germline. Affected: yes. Study: VKGL Data-share Consensus. Not counted in ClinVar's aggregate classification.

Literature cited by the submitters: PubMed 26257172 (cited by Mayo Clinic Laboratories, Mayo Clinic and Women's Health and Genetics/Laboratory Corporation of America, LabCorp); PubMed 36539320 (cited by Mayo Clinic Laboratories, Mayo Clinic and Women's Health and Genetics/Laboratory Corporation of America, LabCorp); PubMed 19569000 (cited by Illumina Laboratory Services, Illumina).